The following is an entry in ClinVar:

NM_001270508.2(TNFAIP3):c.1118T>C (p.Met373Thr)

Gene: TNFAIP3 (TNF alpha induced protein 3; plus strand). Cytogenetic location: 6q23.3.
Variant type: single nucleotide variant.
Coding change: c.1118T>C on transcript NM_001270508.2 (MANE Select); coding-DNA position 1118, T replaced by C.
Protein change: p.Met373Thr; replaces methionine 373 with threonine.
Molecular consequence: missense variant.
Genome position (GRCh38, 1-based): chr6:137,878,563, T>C. VCF-style: chr6-137878563-T-C. GRCh37 (hg19) VCF-style: chr6-138199700-T-C.
Other names: c.1118T>C, p.Met373Thr (NM_001270507.2, NM_006290.4); short protein forms M373T.
Identifiers: ClinVar variation 3682024 (VCV003682024.2).

ClinVar aggregate classification (germline): Uncertain significance (1 of 4 stars; one submission).

Submission:

Labcorp Genetics (formerly Invitae), Labcorp
Classification: Uncertain significance. Last evaluated: 2024-05-18. Review status: criteria provided, single submitter. Criteria: Invitae Variant Classification Sherloc (09022015). Collection method: clinical testing. Allele origin: germline.
Comment: This sequence change replaces methionine, which is neutral and non-polar, with threonine, which is neutral and polar, at codon 373 of the TNFAIP3 protein (p.Met373Thr). This variant is not present in population databases (gnomAD no frequency). This variant has not been reported in the literature in individuals affected with TNFAIP3-related conditions. Advanced modeling of protein sequence and biophysical properties (such as structural, functional, and spatial information, amino acid conservation, physicochemical variation, residue mobility, and thermodynamic stability) performed at Invitae indicates that this missense variant is not expected to disrupt TNFAIP3 protein function with a negative predictive value of 80%. In summary, the available evidence is currently insufficient to determine the role of this variant in disease. Therefore, it has been classified as a Variant of Uncertain Significance.